The following is an entry in ClinVar:

NM_004991.4(MECOM):c.398T>G (p.Val133Gly)

Gene: MECOM (MDS1 and EVI1 complex locus; minus strand). Cytogenetic location: 3q26.2.
Variant type: single nucleotide variant.
Coding change: c.398T>G on transcript NM_004991.4 (MANE Select); coding-DNA position 398, T replaced by G.
Protein change: p.Val133Gly; replaces valine 133 with glycine.
Molecular consequence: missense variant. On other transcripts: 5 prime UTR variant (12).
Genome position (GRCh38, 1-based): chr3:169,143,810, A>C on the plus strand (T>G on the coding strand, the complement: MECOM is on the minus strand). VCF-style: chr3-169143810-A-C. GRCh37 (hg19) VCF-style: chr3-168861598-A-C.
Other names: c.26T>G, p.Val9Gly (NM_001105077.4); c.-167T>G (NM_001105078.4, NM_001163999.2, NM_001164000.2 and 9 more transcripts); c.398T>G, p.Val133Gly (NM_001366466.2, NM_001366473.2); short protein forms V133G, V9G.
Identifiers: ClinVar variation 4105754 (VCV004105754.1).

ClinVar aggregate classification (germline): Uncertain significance (1 of 4 stars; one submission).

Conditions:
Inborn genetic diseases. Identifiers: MedGen C0950123, MeSH D030342.

gnomAD v4.1: 3 of 1,606,874 alleles (0.00019%); highest among the groups gnomAD compares: African/African-American, 0.0027%; no homozygotes.

Submission:

Ambry Genetics
Classification: Uncertain significance for Inborn genetic diseases. Last evaluated: 2025-07-05. Review status: criteria provided, single submitter. Criteria: Ambry Variant Classification Scheme 2023. Collection method: clinical testing. Allele origin: germline.
Comment: The p.V133G variant (also known as c.398T>G), located in coding exon 3 of the MECOM gene, results from a T to G substitution at nucleotide position 398. The valine at codon 133 is replaced by glycine, an amino acid with dissimilar properties. This amino acid position is conserved. In addition, this alteration is predicted to be tolerated by in silico analysis. Based on the available evidence, the clinical significance of this variant remains unclear.